The following is an entry in ClinVar:

ClinVar aggregate classification (germline): Uncertain significance. Review status: criteria provided, multiple submitters, no conflicts (2 of 4 stars). 2 submissions from 2 submitters: Uncertain significance (2). Last evaluated 2025-10-13.

Conditions:
Inborn genetic diseases. Identifiers: MedGen C0950123, MeSH D030342.

Allele frequency attached by ClinVar (database versions not stated): gnomAD exomes 0.00001.

Submissions (2):

Labcorp Genetics (formerly Invitae), Labcorp
Classification: Uncertain significance. Last evaluated: 2025-10-13. Review status: criteria provided, single submitter. Criteria: Invitae Variant Classification Sherloc (09022015). Collection method: clinical testing. Allele origin: germline.
Comment: This sequence change replaces alanine, which is neutral and non-polar, with glycine, which is neutral and non-polar, at codon 268 of the HMX1 protein (p.Ala268Gly). This variant is present in population databases (rs370480163, gnomAD 0.03%). This variant has not been reported in the literature in individuals affected with HMX1-related conditions. ClinVar contains an entry for this variant (Variation ID: 1389281). Invitae Evidence Modeling of protein sequence and biophysical properties (such as structural, functional, and spatial information, amino acid conservation, physicochemical variation, residue mobility, and thermodynamic stability) indicates that this missense variant is not expected to disrupt HMX1 protein function with a negative predictive value of 80%. In summary, the available evidence is currently insufficient to determine the role of this variant in disease. Therefore, it has been classified as a Variant of Uncertain Significance.

Ambry Genetics
Classification: Uncertain significance for Inborn genetic diseases. Last evaluated: 2024-01-09. Review status: criteria provided, single submitter. Criteria: Ambry Variant Classification Scheme 2023. Collection method: clinical testing. Allele origin: germline.

NM_018942.3(HMX1):c.803C>G (p.Ala268Gly)

Gene: HMX1 (H6 family homeobox 1; minus strand). Cytogenetic location: 4p16.1.
Variant type: single nucleotide variant.
Coding change: c.803C>G on transcript NM_018942.3 (MANE Select); coding-DNA position 803, C replaced by G.
Protein change: p.Ala268Gly; replaces alanine 268 with glycine.
Molecular consequence: missense variant. On other transcripts: intron variant (1).
Genome position (GRCh38, 1-based): chr4:8,867,937, G>C on the plus strand (C>G on the coding strand, the complement: HMX1 is on the minus strand). VCF-style: chr4-8867937-G-C. GRCh37 (hg19) VCF-style: chr4-8869663-G-C.
Other names: c.394+3284C>G (NM_001306142.2); c.803C>G (NM_018942.2); short protein forms A268G.
Identifiers: ClinVar variation 1389281 (VCV001389281.9), dbSNP rs370480163, ClinGen allele CA2854261.